The following is an entry in ClinVar:

ClinVar aggregate classification (germline): Uncertain significance (0 of 4 stars; one submission).

Conditions:
MUC1-related disorder. Also called: MUC1-related condition.

Submission:

PreventionGenetics, part of Exact Sciences
Classification: Uncertain significance for MUC1-related condition. Last evaluated: 2024-03-08. Review status: no assertion criteria provided. Collection method: clinical testing. Allele origin: germline.
Comment: The MUC1 c.431C>T variant is predicted to result in the amino acid substitution p.Thr144Met. To our knowledge, this variant has not been reported in the literature. This variant is reported in 0.0027% of alleles in individuals of European (Non-Finnish) descent in gnomAD. At this time, the clinical significance of this variant is uncertain due to the absence of conclusive functional and genetic evidence.

NM_002456.6(MUC1):c.431C>T (p.Thr144Met)

Gene: MUC1 (mucin 1, cell surface associated; minus strand). Cytogenetic location: 1q22.
Variant type: single nucleotide variant.
Coding change: c.431C>T on transcript NM_002456.6; coding-DNA position 431, C replaced by T.
Protein change: p.Thr144Met; replaces threonine 144 with methionine.
Molecular consequence: missense variant. On other transcripts: intron variant (7).
Genome position (GRCh38, 1-based): chr1:155,187,766, G>A on the plus strand (C>T on the coding strand, the complement: MUC1 is on the minus strand). VCF-style: chr1-155187766-G-A. GRCh37 (hg19) VCF-style: chr1-155160242-G-A.
Other names: c.404C>T, p.Thr135Met (NM_001018016.3, NM_001204288.2); c.377C>T, p.Thr126Met (NM_001018017.3); c.1037C>T, p.Thr346Met (NM_001204285.2); c.1064C>T, p.Thr355Met (NM_001204286.1); c.458C>T, p.Thr153Met (NM_001204287.2); c.326C>T, p.Thr109Met (NM_001204289.2); c.263C>T, p.Thr88Met (NM_001204290.2); c.335C>T, p.Thr112Met (NM_001204291.1); and 11 more; short protein forms T101M, T109M, T1101M, T110M, T112M, T126M, T135M, T144M.
Identifiers: ClinVar variation 3350358 (VCV003350358.1).